The following is an entry in ClinVar:

NM_000199.5(SGSH):c.30_31del (p.Leu11fs)

Gene: SGSH (N-sulfoglucosamine sulfohydrolase; minus strand). Cytogenetic location: 17q25.3.
Variant type: Microsatellite.
Coding change: c.30_31del on transcript NM_000199.5 (MANE Select); coding-DNA positions 30 to 31, 2 bases deleted (GC; older notation c.30_31delGC).
Protein change: p.Leu11fs; shifts the reading frame from leucine 11.
Molecular consequence: frameshift variant. On other transcripts: non-coding transcript variant (1).
Genome position (GRCh38, 1-based): chr17:80,220,283-80,220,284, GC deleted on the plus strand (GC on the coding strand, the reverse complement: SGSH is on the minus strand); deleting any 2 consecutive bases within chr17:80,220,283-80,220,288 gives the same sequence; the c. name uses the placement nearest the transcript's 3' end. VCF-style (leftmost placement, unchanged base first): chr17-80220282-AGC-A. GRCh37 (hg19) VCF-style: chr17-78194081-AGC-A.
Other names: c.30_31del, p.Leu11fs (NM_001352921.3, NM_001352922.2); short protein forms L11fs.
Identifiers: ClinVar variation 5011667 (VCV005011667.1).

ClinVar aggregate classification (germline): Pathogenic (1 of 4 stars; one submission).

Conditions:
Mucopolysaccharidosis, MPS-III-A (MPS3A). Also called: HEPARAN SULFATE SULFATASE DEFICIENCY; SANFILIPPO SYNDROME A; SULFAMIDASE DEFICIENCY; MPS III A; MUCOPOLYSACCHARIDOSIS, TYPE IIIA, ATTENUATED; Mucopolysaccharidosis type IIIA (Sanfilippo A). Identifiers: Orphanet 581, Orphanet 79269, MedGen C0086647, MONDO:0009655, OMIM 252900.

Submission:

Myriad Genetics, Inc.
Classification: Pathogenic for Mucopolysaccharidosis, MPS-III-A. Last evaluated: 2023-09-14. Review status: criteria provided, single submitter. Criteria: Myriad Autosomal Dominant, Autosomal Recessive and X-Linked Classification Criteria (2023). Collection method: clinical testing. Allele origin: unknown.
Comment: NM_000199.3(SGSH):c.30_31delGC(L11Afs*21) is expected to be pathogenic in the context of mucopolysaccharidosis type IIIA. This variant is predicted to lead to an abnormal or absent protein product due to the creation of a premature termination codon in SGSH, a gene where loss-of-function variants are known to be pathogenic. Please note: this variant was assessed in the context of healthy population screening.